The following is an entry in ClinVar:

NM_017654.4(SAMD9):c.2848T>C (p.Phe950Leu)

Gene: SAMD9 (sterile alpha motif domain containing 9; minus strand). Cytogenetic location: 7q21.2.
Variant type: single nucleotide variant.
Coding change: c.2848T>C on transcript NM_017654.4 (MANE Select); coding-DNA position 2848, T replaced by C.
Protein change: p.Phe950Leu; replaces phenylalanine 950 with leucine.
Molecular consequence: missense variant.
Genome position (GRCh38, 1-based): chr7:93,103,250, A>G on the plus strand (T>C on the coding strand, the complement: SAMD9 is on the minus strand). VCF-style: chr7-93103250-A-G. GRCh37 (hg19) VCF-style: chr7-92732563-A-G.
Other names: c.2848T>C, p.Phe950Leu (NM_001193307.2); short protein forms F950L.
Identifiers: ClinVar variation 4159212 (VCV004159212.1).

ClinVar aggregate classification (germline): Uncertain significance (1 of 4 stars; one submission).

Conditions:
Inborn genetic diseases. Identifiers: MedGen C0950123, MeSH D030342.

gnomAD v4.1: 2 of 1,613,770 alleles (0.00012%); highest among the groups gnomAD compares: South Asian, 0.0022%; no homozygotes.

Submission:

Ambry Genetics
Classification: Uncertain significance for Inborn genetic diseases. Last evaluated: 2025-09-07. Review status: criteria provided, single submitter. Criteria: Ambry Variant Classification Scheme 2023. Collection method: clinical testing. Allele origin: germline.
Comment: The p.F950L variant (also known as c.2848T>C), located in coding exon 1 of the SAMD9 gene, results from a T to C substitution at nucleotide position 2848. The phenylalanine at codon 950 is replaced by leucine, an amino acid with highly similar properties. This amino acid position is conserved. In addition, this alteration is predicted to be tolerated by in silico analysis. Based on the available evidence, the clinical significance of this variant remains unclear.